The following is an entry in ClinVar:

NM_001029896.2(WDR45):c.436+2T>G

Gene: WDR45 (WD repeat domain 45; minus strand). Cytogenetic location: Xp11.23.
Variant type: single nucleotide variant.
Coding change: c.436+2T>G on transcript NM_001029896.2 (MANE Select); the canonical splice donor site of the intron after coding-DNA position 436, T replaced by G.
Molecular consequence: splice donor variant.
Genome position (GRCh38, 1-based): chrX:49,076,428, A>C on the plus strand (T>G on the coding strand, the complement: WDR45 is on the minus strand). VCF-style: chrX-49076428-A-C. GRCh37 (hg19) VCF-style: chrX-48934087-A-C.
Other names: c.439+2T>G (NM_007075.4).
Identifiers: ClinVar variation 1810120 (VCV001810120.1), dbSNP rs2147816209, ClinGen allele CA412945851.

ClinVar aggregate classification (germline): Pathogenic (1 of 4 stars; one submission).

Submission:

GeneDx
Classification: Pathogenic. Last evaluated: 2022-06-29. Review status: criteria provided, single submitter. Criteria: GeneDx Variant Classification Process June 2021. Collection method: clinical testing. Allele origin: germline. Affected: yes.
Comment: Canonical splice site variant predicted to result in a null allele in a gene for which loss of function is a known mechanism of disease; Not observed at significant frequency in large population cohorts (gnomAD); This variant is associated with the following publications: (PMID: 30455156)